The following is an entry in ClinVar:

ClinVar aggregate classification (germline): not provided. Review status: no classification provided (0 of 4 stars). 2 submissions from 1 submitter: not provided (2).

Conditions:
Normal pregnancy. Identifiers: MedGen C0232989.
Large for gestational age. Identifiers: MedGen C1848395, HP:0001520.

Submissions (2):

Institute of Molecular and Cell Biology, University of Tartu
No classification provided. Condition: Normal pregnancy. Review status: no classification provided. Collection method: case-control. Allele origin: unknown. Affected: yes. Study: Kasak2014.
Comment: The study aimed to determine the contribution of copy number variants in the genetic etiology of normal and complicated pregnancies. The samples represented (i) maternal blood DNA drawn from healthy pregnant women during 1st or 2nd trimester and (ii) maternal and paternal blood DNA drawn at term pregnancy cases representing normal and complicated gestations (severe preeclampsia, PE; gestational diabetes, GD; small-for-gestational age newborn, SGA; large-for-gestational age newborn, LGA). We performed CNV calling based on genome-wide genotyping dataset (Illumina HumanOmniExpress-24-v1 BeadChip) by applying three algorithms, QuantiSNP, GADA (Genome Alteration Detection Algorithm) and CNstream in parallel. The acquired CNV calls were merged with HD-CNV (Hotspot Detector for Copy Number Variants) program and only the CNVs predicted by at least two programs, were considered in subsequent analysis.

Institute of Molecular and Cell Biology, University of Tartu
No classification provided. Condition: Large for gestational age. Review status: no classification provided. Collection method: case-control. Allele origin: unknown. Affected: yes. Study: Kasak2014.
Comment: the same text as in the submission from Institute of Molecular and Cell Biology, University of Tartu above.

Literature cited by the submitters: PubMed 25666259.

NC_000006.12:g.83843759_83988634dup

Genes: CYB5R4 (cytochrome b5 reductase 4; plus strand), RIPPLY2 (ripply transcriptional repressor 2; plus strand), RIPPLY2-CYB5R4 (RIPPLY2-CYB5R4 readthrough; plus strand), LOC123775380 (Sharpr-MPRA regulatory region 3398; plus strand), LOC129996769 (ATAC-STARR-seq lymphoblastoid silent region 17361; plus strand) and 3 more. Cytogenetic location: 6q14.2.
Variant type: Duplication.
Identifiers: ClinVar variation 157021 (VCV000157021.3).